The following is an entry in ClinVar:

NM_001042492.3(NF1):c.7739-3C>T

Gene: NF1 (neurofibromin 1; plus strand). Cytogenetic location: 17q11.2.
Variant type: single nucleotide variant.
Coding change: c.7739-3C>T on transcript NM_001042492.3 (MANE Select); 3 bases into the intron before coding-DNA position 7739, C replaced by T.
Molecular consequence: intron variant.
Genome position (GRCh38, 1-based): chr17:31,356,957, C>T. VCF-style: chr17-31356957-C-T. GRCh37 (hg19) VCF-style: chr17-29683975-C-T.
Other names: c.7676-3C>T (NM_000267.4).
Identifiers: ClinVar variation 935613 (VCV000935613.10), dbSNP rs747382969, ClinGen allele CA8487658.

ClinVar aggregate classification (germline): Uncertain significance. Review status: criteria provided, multiple submitters, no conflicts (2 of 4 stars). 2 submissions from 2 submitters: Uncertain significance (2). Last evaluated 2025-06-13.

Conditions:
Neurofibromatosis, type 1 (NF1). Also called: Peripheral type neurofibromatosis; VON RECKLINGHAUSEN DISEASE; Neurofibromatosis, type I; NEUROFIBROMATOSIS, TYPE I, SOMATIC. Identifiers: Orphanet 636, MedGen C0027831, MONDO:0018975, OMIM 162200. Disease mechanism: loss of function.
Hereditary cancer-predisposing syndrome. Also called: Tumor predisposition; Hereditary neoplastic syndrome; Neoplastic Syndromes, Hereditary; Hereditary Cancer Syndrome. Identifiers: Orphanet 140162, MedGen C0027672, MeSH D009386, MONDO:0015356.
Cardiovascular phenotype. Identifiers: MedGen CN230736.

Allele frequency attached by ClinVar (database versions not stated): gnomAD exomes below 0.00001; ExAC 0.00001.
gnomAD v4.1: 1 of 1,613,776 alleles (0.000062%); highest among the groups gnomAD compares: Admixed American, 0.0017%; no homozygotes.

Submissions (2):

Ambry Genetics
Classification: Uncertain significance for Cardiovascular phenotype; Hereditary cancer-predisposing syndrome. Last evaluated: 2025-06-13. Review status: criteria provided, single submitter. Criteria: Ambry Variant Classification Scheme 2023. Collection method: clinical testing. Allele origin: germline.
Comment: The c.7676-3C>T intronic variant results from a C to T substitution 3 nucleotides upstream from coding exon 52 in the NF1 gene. This nucleotide position is well conserved in available vertebrate species. In silico splice site analysis predicts that this alteration will not have any significant effect on splicing. Based on the available evidence, the clinical significance of this variant remains unclear.

Labcorp Genetics (formerly Invitae), Labcorp
Classification: Uncertain significance for Neurofibromatosis, type 1. Last evaluated: 2019-08-17. Review status: criteria provided, single submitter. Criteria: Invitae Variant Classification Sherloc (09022015). Collection method: clinical testing. Allele origin: germline.
Comment: This variant has not been reported in the literature in individuals with NF1-related conditions. This variant is present in population databases (rs747382969, ExAC 0.009%). This sequence change falls in intron 51 of the NF1 gene. It does not directly change the encoded amino acid sequence of the NF1 protein, but it affects a nucleotide within the consensus splice site of the intron. Nucleotide substitutions within the consensus splice site are a relatively common cause of aberrant splicing (PMID: 17576681, 9536098). Algorithms developed to predict the effect of sequence changes on RNA splicing suggest that this variant is not likely to affect RNA splicing, but this prediction has not been confirmed by published transcriptional studies. In summary, the available evidence is currently insufficient to determine the role of this variant in disease. Therefore, it has been classified as a Variant of Uncertain Significance.

Literature cited by the submitters: PubMed 17576681 (cited by Labcorp Genetics (formerly Invitae), Labcorp); PubMed 9536098 (cited by Labcorp Genetics (formerly Invitae), Labcorp).